The following is an entry in ClinVar:

NM_003628.6(PKP4):c.1784G>A (p.Arg595Gln)

Gene: PKP4 (plakophilin 4; plus strand). Cytogenetic location: 2q24.1.
Variant type: single nucleotide variant.
Coding change: c.1784G>A on transcript NM_003628.6 (MANE Select); coding-DNA position 1784, G replaced by A.
Protein change: p.Arg595Gln; replaces arginine 595 with glutamine.
Molecular consequence: missense variant.
Genome position (GRCh38, 1-based): chr2:158,642,574, G>A. VCF-style: chr2-158642574-G-A. GRCh37 (hg19) VCF-style: chr2-159499086-G-A.
Other names: c.1784G>A, p.Arg595Gln (NM_001005476.4, NM_001304971.2, NM_001377218.1 and 1 more transcripts); c.1781G>A, p.Arg594Gln (NM_001304969.3, NM_001377219.1, NM_001377220.1 and 2 more transcripts); c.755G>A, p.Arg252Gln (NM_001304970.3); c.1778G>A, p.Arg593Gln (NM_001377222.1, NM_001377223.1); c.1775G>A, p.Arg592Gln (NM_001377224.1); c.1784G>A (NM_001005476.2); short protein forms R252Q, R594Q, R595Q, R592Q, R593Q.
Identifiers: ClinVar variation 1780060 (VCV001780060.5), dbSNP rs878926127, ClinGen allele CA58659740.

ClinVar aggregate classification (germline): Conflicting classifications of pathogenicity. Review status: criteria provided, conflicting classifications (1 of 4 stars). 2 submissions from 2 submitters: Uncertain significance (1); Likely benign (1). Last evaluated 2025-02-13.

Conditions:
Autism spectrum disorder. Also called: Autism spectrum disorders. Identifiers: MedGen C1510586, MeSH D000067877, MONDO:0005258.

Allele frequency attached by ClinVar (database versions not stated): gnomAD exomes 0.00001; gnomAD 0.00002; TOPMed 0.00003.

Submissions (2):

Ambry Genetics
Classification: Uncertain significance. Last evaluated: 2025-02-13. Review status: criteria provided, single submitter. Criteria: Ambry Variant Classification Scheme 2023. Collection method: clinical testing. Allele origin: germline.
Comment: The p.R595Q variant (also known as c.1784G>A), located in coding exon 10 of the PKP4 gene, results from a G to A substitution at nucleotide position 1784. The arginine at codon 595 is replaced by glutamine, an amino acid with highly similar properties. This amino acid position is conserved. In addition, this alteration is predicted to be deleterious by in silico analysis. Since supporting evidence is limited at this time, the clinical significance of this alteration remains unclear.

Department of Genetics, Rouen University Hospital, Normandy Center for Genomic and Personalized Medicine
Classification: Likely benign for Autism spectrum disorder. Last evaluated: 2022-04-13. Review status: criteria provided, single submitter. Criteria: ACMG Guidelines, 2015. Collection method: clinical testing. Allele origin: paternal. Affected: yes.